The following is an entry in ClinVar:

ClinVar aggregate classification (germline): Uncertain significance (1 of 4 stars; one submission).

Allele frequency attached by ClinVar (database versions not stated): TOPMed below 0.00001; gnomAD 0.00001.
gnomAD v4.1: 2 of 1,497,908 alleles (0.00013%); highest among the groups gnomAD compares: Non-Finnish European, 0.00018%; no homozygotes.

Submission:

Labcorp Genetics (formerly Invitae), Labcorp
Classification: Uncertain significance. Last evaluated: 2023-08-04. Review status: criteria provided, single submitter. Criteria: Invitae Variant Classification Sherloc (09022015). Collection method: clinical testing. Allele origin: germline.
Comment: This sequence change falls in intron 39 of the PIEZO1 gene. It does not directly change the encoded amino acid sequence of the PIEZO1 protein. It affects a nucleotide within the consensus splice site. This variant is not present in population databases (gnomAD no frequency). In summary, the available evidence is currently insufficient to determine the role of this variant in disease. Therefore, it has been classified as a Variant of Uncertain Significance. Variants that disrupt the consensus splice site are a relatively common cause of aberrant splicing (PMID: 17576681, 9536098). Algorithms developed to predict the effect of sequence changes on RNA splicing suggest that this variant may disrupt the consensus splice site. ClinVar contains an entry for this variant (Variation ID: 1390799). This variant has not been reported in the literature in individuals affected with PIEZO1-related conditions.

Literature cited by the submitters: PubMed 17576681; PubMed 9536098.

NM_001142864.4(PIEZO1):c.5668+3A>G

Gene: PIEZO1 (piezo type mechanosensitive ion channel component 1 (Er blood group); minus strand). Cytogenetic location: 16q24.3.
Variant type: single nucleotide variant.
Coding change: c.5668+3A>G on transcript NM_001142864.4 (MANE Select); 3 bases into the intron after coding-DNA position 5668, A replaced by G.
Molecular consequence: intron variant.
Genome position (GRCh38, 1-based): chr16:88,721,163, T>C on the plus strand (A>G on the coding strand, the complement: PIEZO1 is on the minus strand). VCF-style: chr16-88721163-T-C. GRCh37 (hg19) VCF-style: chr16-88787571-T-C.
Identifiers: ClinVar variation 1390799 (VCV001390799.6), dbSNP rs1270154612, ClinGen allele CA725602291.